The following is an entry in ClinVar:

NM_003640.5(ELP1):c.1908+1G>A

Gene: ELP1 (elongator acetyltransferase complex subunit 1; minus strand). Cytogenetic location: 9q31.3.
Variant type: single nucleotide variant.
Coding change: c.1908+1G>A on transcript NM_003640.5 (MANE Select); the canonical splice donor site of the intron after coding-DNA position 1908, G replaced by A.
Molecular consequence: splice donor variant.
Genome position (GRCh38, 1-based): chr9:108,901,627, C>T on the plus strand (G>A on the coding strand, the complement: ELP1 is on the minus strand). VCF-style: chr9-108901627-C-T. GRCh37 (hg19) VCF-style: chr9-111663907-C-T.
Other names: c.1566+1G>A (NM_001318360.2); c.861+1G>A (NM_001330749.2).
Identifiers: ClinVar variation 1963773 (VCV001963773.5), dbSNP rs2537903051, ClinGen allele CA374424694.

ClinVar aggregate classification (germline): Likely pathogenic (1 of 4 stars; one submission).

Allele frequency attached by ClinVar (database versions not stated): gnomAD exomes below 0.00001.
gnomAD v4.1: 2 of 1,614,114 alleles (0.00012%); highest among the groups gnomAD compares: Non-Finnish European, 0.00017%; no homozygotes.

Submission:

Labcorp Genetics (formerly Invitae), Labcorp
Classification: Likely pathogenic. Last evaluated: 2023-10-27. Review status: criteria provided, single submitter. Criteria: Invitae Variant Classification Sherloc (09022015). Collection method: clinical testing. Allele origin: germline.
Comment: This sequence change affects a donor splice site in intron 17 of the ELP1 gene. It is expected to disrupt RNA splicing. Variants that disrupt the donor or acceptor splice site typically lead to a loss of protein function (PMID: 16199547), and loss-of-function variants in ELP1 are known to be pathogenic (PMID: 18303054, 24173031). This variant is not present in population databases (gnomAD no frequency). This variant has not been reported in the literature in individuals affected with ELP1-related conditions. ClinVar contains an entry for this variant (Variation ID: 1963773). Algorithms developed to predict the effect of sequence changes on RNA splicing suggest that this variant may disrupt the consensus splice site. In summary, the currently available evidence indicates that the variant is pathogenic, but additional data are needed to prove that conclusively. Therefore, this variant has been classified as Likely Pathogenic.

Literature cited by the submitters: PubMed 16199547; PubMed 18303054; PubMed 24173031.